The following is an entry in ClinVar:

ClinVar aggregate classification (germline): Uncertain significance (1 of 4 stars; one submission).

Conditions:
Atypical hemolytic-uremic syndrome. Identifiers: Orphanet 2134, MedGen C2931788, MONDO:0016244.

Submission:

Genomenon, Inc
Classification: Uncertain significance for Atypical hemolytic-uremic syndrome. Last evaluated: 2025-10-02. Review status: criteria provided, single submitter. Criteria: Genomenon Sequence Variant Interpretation Standards. Collection method: curation. Allele origin: germline. Affected: no.
Comment: CD46 p.Leu133Ser (c.398T>C) is a missense variant that changes the amino acid at residue 133 from Leucine to Serine. This variant has been reported in the published literature (PMID:9268348). It is absent or not present at a significant frequency in gnomAD. In conclusion, we classify CD46 p.Leu133Ser (c.398T>C) as a variant of uncertain significance.

Literature cited by the submitters: PubMed 9268348.

NM_172351.3(CD46):c.398T>C (p.Leu133Ser)

Gene: CD46 (CD46 molecule; plus strand). Cytogenetic location: 1q32.2.
Variant type: single nucleotide variant.
Coding change: c.398T>C on transcript NM_172351.3 (MANE Select); coding-DNA position 398, T replaced by C.
Protein change: p.Leu133Ser; replaces leucine 133 with serine.
Molecular consequence: missense variant.
Genome position (GRCh38, 1-based): chr1:207,759,647, T>C. VCF-style: chr1-207759647-T-C. GRCh37 (hg19) VCF-style: chr1-207932992-T-C.
Other names: c.398T>C, p.Leu133Ser (NM_002389.4, NM_153826.4, NM_172350.3 and 8 more transcripts); short protein forms L133S.
Identifiers: ClinVar variation 4291264 (VCV004291264.1).
Genomic context (GRCh38, chr1:207,759,647, plus strand): 5'-TGTGTCTTATTAATTGCTATACAAAACAGTAACCCTTTCTTTTCTCATTTAGTTATTACT[T>C]AATTGGTGAAGAAATTCTATATTGTGAACTTAAAGGATCAGTAGCAATTTGGAGCGGTAA-3'
Protein context (NP_758861.1, residues 123-143): MHFICNEGYY[Leu133Ser]IGEEILYCEL